The following is an entry in ClinVar:

NM_005902.4(SMAD3):c.207-26843C>T

Gene: SMAD3 (SMAD family member 3; plus strand). Cytogenetic location: 15q22.33.
Variant type: single nucleotide variant.
Coding change: c.207-26843C>T on transcript NM_005902.4 (MANE Select); 26843 bases into the intron before coding-DNA position 207, C replaced by T.
Molecular consequence: intron variant. On other transcripts: missense variant (1), 5 prime UTR variant (1).
Genome position (GRCh38, 1-based): chr15:67,138,052, C>T. VCF-style: chr15-67138052-C-T. GRCh37 (hg19) VCF-style: chr15-67430390-C-T.
Other names: c.26C>T, p.Thr9Met (NM_001145103.2); c.-580C>T (NM_001407016.1); c.207-26843C>T (NM_001407011.1, NM_001407013.1, NM_001407012.1); c.60-26843C>T (NM_001407014.1); c.-110+12068C>T (NM_001145102.2, NM_001407015.1); short protein forms T9M.
Identifiers: ClinVar variation 2628872 (VCV002628872.1), dbSNP rs1172546213, ClinGen allele CA393204748.
Genomic context (GRCh38, chr15:67,138,052, plus strand): 5'-CCCTCCCGTCCCTGTGACCTCCCAACTTCACAAACATGTCTTGCCTGCACCCTAGGCAAA[C>T]GTGGAAAGGCGCAGCTCTGGTACACCGGAAAGCATGGTGGATGGGGAGGTAGGAGCCCCG-3'

ClinVar aggregate classification (germline): Uncertain significance (1 of 4 stars; one submission).

Conditions:
SMAD3-related disorder. Also called: SMAD3-related condition.

Allele frequency attached by ClinVar (database versions not stated): gnomAD 0.00001; gnomAD exomes 0.00001; TOPMed 0.00001.
gnomAD v4.1: 16 of 1,551,470 alleles (0.001%); highest among the groups gnomAD compares: Middle Eastern, 0.017%; no homozygotes.

Submission:

PreventionGenetics, part of Exact Sciences
Classification: Uncertain significance for SMAD3-related condition. Last evaluated: 2022-11-01. Review status: criteria provided, single submitter. Criteria: ACMG Guidelines, 2015. Collection method: clinical testing. Allele origin: germline.
Comment: The SMAD3 c.26C>T variant is predicted to result in the amino acid substitution p.Thr9Met. To our knowledge, this variant has not been reported in the literature or in a large population database, indicating this variant is rare. At this time, the clinical significance of this variant is uncertain due to the absence of conclusive functional and genetic evidence.